The following is an entry in ClinVar:

ClinVar aggregate classification (germline): Uncertain significance. Review status: criteria provided, multiple submitters, no conflicts (2 of 4 stars). 2 submissions from 2 submitters: Uncertain significance (2). Last evaluated 2024-03-26.

Conditions:
Inborn genetic diseases. Identifiers: MedGen C0950123, MeSH D030342.

Allele frequency attached by ClinVar (database versions not stated): gnomAD 0.00001; 1000 Genomes Project 30x 0.00016; 1000 Genomes Project 0.00020.
gnomAD v4.1: 3 of 1,612,500 alleles (0.00019%); highest among the groups gnomAD compares: African/African-American, 0.0027%; no homozygotes.

Submissions (2):

Labcorp Genetics (formerly Invitae), Labcorp
Classification: Uncertain significance. Last evaluated: 2024-03-26. Review status: criteria provided, single submitter. Criteria: Invitae Variant Classification Sherloc (09022015). Collection method: clinical testing. Allele origin: germline.
Comment: This sequence change replaces aspartic acid, which is acidic and polar, with glycine, which is neutral and non-polar, at codon 3859 of the FRAS1 protein (p.Asp3859Gly). This variant is not present in population databases (gnomAD no frequency). This variant has not been reported in the literature in individuals affected with FRAS1-related conditions. ClinVar contains an entry for this variant (Variation ID: 2267182). An algorithm developed to predict the effect of missense changes on protein structure and function (PolyPhen-2) suggests that this variant is likely to be tolerated. In summary, the available evidence is currently insufficient to determine the role of this variant in disease. Therefore, it has been classified as a Variant of Uncertain Significance.

Ambry Genetics
Classification: Uncertain significance for Inborn genetic diseases. Last evaluated: 2021-12-14. Review status: criteria provided, single submitter. Criteria: Ambry Variant Classification Scheme 2023. Collection method: clinical testing. Allele origin: germline.

NM_025074.7(FRAS1):c.11576A>G (p.Asp3859Gly)

Gene: FRAS1 (Fraser extracellular matrix complex subunit 1; plus strand). Cytogenetic location: 4q21.21.
Variant type: single nucleotide variant.
Coding change: c.11576A>G on transcript NM_025074.7 (MANE Select); coding-DNA position 11576, A replaced by G.
Protein change: p.Asp3859Gly; replaces aspartic acid 3859 with glycine.
Molecular consequence: missense variant.
Genome position (GRCh38, 1-based): chr4:78,540,661, A>G. VCF-style: chr4-78540661-A-G. GRCh37 (hg19) VCF-style: chr4-79461815-A-G.
Other names: short protein forms D3859G.
Identifiers: ClinVar variation 2267182 (VCV002267182.4), dbSNP rs556699535, ClinGen allele CA99968512.
Genomic context (GRCh38, chr4:78,540,661, plus strand): 5'-GGGTCCAGCGCTCTCTCACAGCTCCACTCAGACGCAACCGAAGGGACCTGGTAGAGCCCG[A>G]TGGCCAGCTGATCCTTGATGATTCCCTCATCTATGACAATGAAGGAGACCAAGTCAAGAA-3'
Protein context (NP_079350.5, residues 3849-3869): RRNRRDLVEP[Asp3859Gly]GQLILDDSLI